The following is an entry in ClinVar:

NM_001903.5(CTNNA1):c.511C>G (p.Gln171Glu)

Gene: CTNNA1 (catenin alpha 1; plus strand). Cytogenetic location: 5q31.2.
Variant type: single nucleotide variant.
Coding change: c.511C>G on transcript NM_001903.5 (MANE Select); coding-DNA position 511, C replaced by G.
Protein change: p.Gln171Glu; replaces glutamine 171 with glutamic acid.
Molecular consequence: missense variant.
Genome position (GRCh38, 1-based): chr5:138,812,225, C>G. VCF-style: chr5-138812225-C-G. GRCh37 (hg19) VCF-style: chr5-138147914-C-G.
Other names: c.511C>G, p.Gln171Glu (NM_001290307.3, NM_001323982.2, NM_001323983.1 and 3 more transcripts); c.202C>G, p.Gln68Glu (NM_001290309.3); c.142C>G, p.Gln48Glu (NM_001290310.3); short protein forms Q171E, Q48E, Q68E.
Identifiers: ClinVar variation 3665225 (VCV003665225.2).
Genomic context (GRCh38, chr5:138,812,225, plus strand): 5'-GTCTTTCTTATTTTATAGGTGGAAGATGGTATCTTGAAGTTGAGGAATGCTGGCAATGAA[C>G]AAGACTTAGGAATCCAGTATAAAGCCCTAAAACCTGAAGTGGATAAGCTGAACATTATGG-3'
Protein context (NP_001894.2, residues 161-181): ILKLRNAGNE[Gln171Glu]DLGIQYKALK

ClinVar aggregate classification (germline): Uncertain significance (1 of 4 stars; one submission).

Submission:

Labcorp Genetics (formerly Invitae), Labcorp
Classification: Uncertain significance. Last evaluated: 2024-10-30. Review status: criteria provided, single submitter. Criteria: Invitae Variant Classification Sherloc (09022015). Collection method: clinical testing. Allele origin: germline.
Comment: This sequence change replaces glutamine, which is neutral and polar, with glutamic acid, which is acidic and polar, at codon 171 of the CTNNA1 protein (p.Gln171Glu). This variant is present in population databases (rs774590663, gnomAD 0.0009%). This variant has not been reported in the literature in individuals affected with CTNNA1-related conditions. Invitae Evidence Modeling of protein sequence and biophysical properties (such as structural, functional, and spatial information, amino acid conservation, physicochemical variation, residue mobility, and thermodynamic stability) indicates that this missense variant is not expected to disrupt CTNNA1 protein function with a negative predictive value of 80%. In summary, the available evidence is currently insufficient to determine the role of this variant in disease. Therefore, it has been classified as a Variant of Uncertain Significance.